The following is an entry in ClinVar:

ClinVar aggregate classification (germline): Uncertain significance (1 of 4 stars; one submission).

Conditions:
Hereditary cancer-predisposing syndrome. Also called: Neoplastic Syndromes, Hereditary; Tumor predisposition; Hereditary neoplastic syndrome; Hereditary Cancer Syndrome. Identifiers: Orphanet 140162, MedGen C0027672, MeSH D009386, MONDO:0015356.

Submission:

Ambry Genetics
Classification: Uncertain significance for Hereditary cancer-predisposing syndrome. Last evaluated: 2023-12-29. Review status: criteria provided, single submitter. Criteria: Ambry Variant Classification Scheme 2023. Collection method: clinical testing. Allele origin: germline.
Comment: The p.Q206K variant (also known as c.616C>A), located in coding exon 3 of the TMEM127 gene, results from a C to A substitution at nucleotide position 616. The glutamine at codon 206 is replaced by lysine, an amino acid with similar properties. This amino acid position is conserved. In addition, this alteration is predicted to be deleterious by in silico analysis. Since supporting evidence is limited at this time, the clinical significance of this alteration remains unclear.

NM_017849.4(TMEM127):c.616C>A (p.Gln206Lys)

Gene: TMEM127 (transmembrane protein 127; minus strand). Cytogenetic location: 2q11.2.
Variant type: single nucleotide variant.
Coding change: c.616C>A on transcript NM_017849.4 (MANE Select); coding-DNA position 616, C replaced by A.
Protein change: p.Gln206Lys; replaces glutamine 206 with lysine.
Molecular consequence: missense variant.
Genome position (GRCh38, 1-based): chr2:96,253,909, G>T on the plus strand (C>A on the coding strand, the complement: TMEM127 is on the minus strand). VCF-style: chr2-96253909-G-T. GRCh37 (hg19) VCF-style: chr2-96919647-G-T.
Other names: c.616C>A, p.Gln206Lys (NM_001193304.3); c.364C>A, p.Gln122Lys (NM_001407282.1, NM_001407283.1); short protein forms Q122K, Q206K.
Identifiers: ClinVar variation 3227089 (VCV003227089.1), dbSNP rs1684143889, ClinGen allele CA347651917.
Genomic context (GRCh38, chr2:96,253,909, plus strand): 5'-CCTCATATTCCGCCGGGTAGGGCTCGTTCTCTTCCATCTCTGAGAGCAGCTCCAGCGCCT[G>T]CTCCTCTTCCTCTGTGGGGTAGTGGCGCAGGAGGTTGGCTGCCGTGGCCAGGATTGAGGC-3'
Protein context (NP_060319.1, residues 196-216): LRHYPTEEEE[Gln206Lys]ALELLSEMEE